The following is an entry in ClinVar:

ClinVar aggregate classification (germline): Uncertain significance (1 of 4 stars; one submission).

Conditions:
Fanconi anemia (FA). Also called: Fanconi's anemia. Identifiers: Orphanet 84, MedGen C0015625, MeSH D005199, MONDO:0019391.

Submission:

Sema4
Classification: Uncertain significance for Fanconi anemia. Last evaluated: 2021-09-15. Review status: criteria provided, single submitter. Criteria: Sema4 Curation Guidelines. Collection method: curation. Allele origin: germline.
Comment: The FANCG c.308-25_308-12del variant has not been reported in the literature to our knowledge. It was observed in 1/30500 chromosomes of the South Asian subpopulation in the large and broad cohorts of the Genome Aggregation Database (PMID: 32461654). The variant has not been reported in ClinVar. The evidence is insufficient to meet ACMG/AMP criteria for classifying the variant as benign or pathogenic. Thus, the clinical significance of this variant is currently uncertain.

NM_004629.2(FANCG):c.308-25_308-12del

Gene: FANCG (FA complementation group G; minus strand). Cytogenetic location: 9p13.3.
Variant type: Deletion.
Coding change: c.308-25_308-12del on transcript NM_004629.2 (MANE Select); 25 bases into the intron before coding-DNA position 308 through 12 bases into the intron before coding-DNA position 308, 14 bases deleted (CTATGTGTGTGTGT).
Molecular consequence: intron variant.
Genome position (GRCh38, 1-based): chr9:35,078,355-35,078,368, ACACACACACATAG deleted on the plus strand (CTATGTGTGTGTGT on the coding strand, the reverse complement: FANCG is on the minus strand); deleting any 14 consecutive bases within chr9:35,078,355-35,078,379 gives the same sequence; the c. name uses the placement nearest the transcript's 3' end. VCF-style (leftmost placement, unchanged base first): chr9-35078354-TACACACACACATAG-T. GRCh37 (hg19) VCF-style: chr9-35078351-TACACACACACATAG-T.
Identifiers: ClinVar variation 1692837 (VCV001692837.1), dbSNP rs1563987234, ClinGen allele CA587568865.
Genomic context (GRCh38, chr9:35,078,354, plus strand): 5'-CCTGAGCCCCTGTTCCAACCTGGGCCCCTGCTGCTCCTGTGTCTCCAGCACTGTAGAGTA[TACACACACACATAG>T]ACACACACACAGCTGAAGTAGCACCTCATCCTCCATCTCCCCACACACTCTGGCTTTCCT-3'